The following is an entry in ClinVar:

ClinVar aggregate classification (germline): Pathogenic (1 of 4 stars; one submission).

Conditions:
Medium-chain acyl-coenzyme A dehydrogenase deficiency (ACADMD). Also called: MCADH DEFICIENCY; MCADD; ACADM DEFICIENCY; CARNITINE DEFICIENCY SECONDARY TO MEDIUM-CHAIN ACYL-CoA DEHYDROGENASE DEFICIENCY; Medium chain acyl-CoA dehydrogenase deficiency; MCAD Deficiency. Identifiers: Orphanet 42, MedGen C0220710, MONDO:0008721, OMIM 201450.

Submission:

Labcorp Genetics (formerly Invitae), Labcorp
Classification: Pathogenic for Medium-chain acyl-coenzyme A dehydrogenase deficiency. Last evaluated: 2023-04-09. Review status: criteria provided, single submitter. Criteria: Invitae Variant Classification Sherloc (09022015). Collection method: clinical testing. Allele origin: germline.
Comment: For these reasons, this variant has been classified as Pathogenic. This variant disrupts a region of the ACADM protein in which other variant(s) (p.Arg413Cys) have been determined to be pathogenic (PMID: 20036593; Invitae). This suggests that this is a clinically significant region of the protein, and that variants that disrupt it are likely to be disease-causing. This variant has not been reported in the literature in individuals affected with ACADM-related conditions. This variant is not present in population databases (gnomAD no frequency). This sequence change creates a premature translational stop signal (p.Ile396Asnfs*6) in the ACADM gene. While this is not anticipated to result in nonsense mediated decay, it is expected to disrupt the last 26 amino acid(s) of the ACADM protein.

Literature cited by the submitters: PubMed 20036593.

NM_000016.6(ACADM):c.1186dup (p.Ile396fs)

Gene: ACADM (acyl-CoA dehydrogenase medium chain; plus strand). Cytogenetic location: 1p31.1.
Variant type: Duplication.
Coding change: c.1186dup on transcript NM_000016.6 (MANE Select); coding-DNA position 1186, one base duplicated (A; older notation c.1186dupA).
Protein change: p.Ile396fs; shifts the reading frame from isoleucine 396.
Molecular consequence: frameshift variant.
Genome position (GRCh38, 1-based): chr1:75,761,362, A duplicated; the last of 4 consecutive A bases (chr1:75,761,359-75,761,362); duplicating any one gives the same sequence. VCF-style (leftmost placement, unchanged base first): chr1-75761358-C-CA. GRCh37 (hg19) VCF-style: chr1-76227043-C-CA.
Other names: c.1198dup, p.Ile400fs (NM_001127328.3); c.1078dup, p.Ile360fs (NM_001286042.2); c.1285dup, p.Ile429fs (NM_001286043.2); c.619dup, p.Ile207fs (NM_001286044.2); short protein forms I207fs, I360fs, I396fs, I429fs, I400fs.
Identifiers: ClinVar variation 2854237 (VCV002854237.3), dbSNP rs2525699778, ClinGen allele CA2739272617.